The following is an entry in ClinVar:

NM_000317.3(PTS):c.74_76dup (p.Leu26Ter)

Genes: PTS (6-pyruvoyltetrahydropterin synthase; plus strand), LOC130006765 (ATAC-STARR-seq lymphoblastoid silent region 3906; plus strand). Cytogenetic location: 11q23.1.
Variant type: Duplication.
Coding change: c.74_76dup on transcript NM_000317.3 (MANE Select); coding-DNA positions 74 to 76, 3 bases duplicated (GAT; older notation c.74_76dupGAT).
Protein change: p.Leu26Ter; replaces leucine 26 with a stop codon.
Molecular consequence: nonsense.
Genome position (GRCh38, 1-based): chr11:112,226,517-112,226,519, GAT duplicated. VCF-style (leftmost placement, unchanged base first): chr11-112226516-C-CGAT. GRCh37 (hg19) VCF-style: chr11-112097239-C-CGAT.
Other names: c.74_76dupGAT (NM_000317.2); short protein forms L26*.
Identifiers: ClinVar variation 1073651 (VCV001073651.8), dbSNP rs765777664, ClinGen allele CA6278426.

ClinVar aggregate classification (germline): Pathogenic/Likely pathogenic. Review status: criteria provided, multiple submitters, no conflicts (2 of 4 stars). 2 submissions from 2 submitters: Pathogenic (1); Likely pathogenic (1). Last evaluated 2024-09-30.

Conditions:
6-Pyruvoyl-tetrahydrobiopterin synthase deficiency. Also called: HYPERPHENYLALANINEMIA, TETRAHYDROBIOPTERIN-DEFICIENT, DUE TO PTS DEFICIENCY; PTS DEFICIENCY; 6-Pyruvoyltetrahydropterin Synthase Deficiency; Hyperphenylalanemia, BH4-deficient, A; Hyperphenylalaninemia due to 6-pyruvoyl-tetrahydropterin synthase deficiency; PTS-Related Tetrahydrobiopterin Deficiency. Identifiers: Orphanet 13, Orphanet 238583, MedGen C0878676, MONDO:0009863, OMIM 261640.

Allele frequency attached by ClinVar (database versions not stated): gnomAD exomes below 0.00001 and 0.00001; gnomAD 0.00001; ExAC 0.00003.

Submissions (2):

Natera, Inc.
Classification: Likely pathogenic for 6-Pyruvoyl-tetrahydrobiopterin synthase deficiency. Last evaluated: 2024-09-30. Review status: criteria provided, single submitter. Criteria: Natera Variant Classification Schema (03/2026). Collection method: clinical testing. Allele origin: germline.
Comment: The c.74_76dupGAT variant in PTS is an in-frame insertion. This variant is expected to result in nonsense mediated decay, truncation, or a dysfunctional protein product. This variant is rare in the general population with a frequency below the threshold expected for the associated phenotype(s). Given the available evidence, this variant is classified as Likely Pathogenic.

Labcorp Genetics (formerly Invitae), Labcorp
Classification: Pathogenic for 6-Pyruvoyl-tetrahydrobiopterin synthase deficiency. Last evaluated: 2023-06-22. Review status: criteria provided, single submitter. Criteria: Invitae Variant Classification Sherloc (09022015). Collection method: clinical testing. Allele origin: germline.
Comment: This variant is present in population databases (rs765777664, gnomAD 0.01%). For these reasons, this variant has been classified as Pathogenic. ClinVar contains an entry for this variant (Variation ID: 1073651). This variant has not been reported in the literature in individuals affected with PTS-related conditions. This sequence change creates a premature translational stop signal (p.Leu26*) in the PTS gene. It is expected to result in an absent or disrupted protein product. Loss-of-function variants in PTS are known to be pathogenic (PMID: 3297709, 16917893).

Literature cited by the submitters: PubMed 3297709 (cited by Labcorp Genetics (formerly Invitae), Labcorp); PubMed 16917893 (cited by Labcorp Genetics (formerly Invitae), Labcorp).